The following is an entry in ClinVar:

ClinVar aggregate classification (germline): Uncertain significance (1 of 4 stars; one submission).

Conditions:
Peroxisome biogenesis disorder. Identifiers: Orphanet 79189, MedGen C1832200, MONDO:0019234. Disease mechanism: loss of function.

Submission:

Labcorp Genetics (formerly Invitae), Labcorp
Classification: Uncertain significance for Peroxisome biogenesis disorder. Last evaluated: 2022-07-19. Review status: criteria provided, single submitter. Criteria: Invitae Variant Classification Sherloc (09022015). Collection method: clinical testing. Allele origin: germline.
Comment: ClinVar contains an entry for this variant (Variation ID: 1347850). Algorithms developed to predict the effect of missense changes on protein structure and function are either unavailable or do not agree on the potential impact of this missense change (SIFT: "Tolerated"; PolyPhen-2: "Probably Damaging"; Align-GVGD: "Class C0"). In summary, the available evidence is currently insufficient to determine the role of this variant in disease. Therefore, it has been classified as a Variant of Uncertain Significance. This variant has not been reported in the literature in individuals affected with PEX16-related conditions. This variant is not present in population databases (gnomAD no frequency). This sequence change replaces valine, which is neutral and non-polar, with leucine, which is neutral and non-polar, at codon 88 of the PEX16 protein (p.Val88Leu).

NM_004813.4(PEX16):c.262G>T (p.Val88Leu)

Gene: PEX16 (peroxisomal biogenesis factor 16; minus strand). Cytogenetic location: 11p11.2.
Variant type: single nucleotide variant.
Coding change: c.262G>T on transcript NM_004813.4 (MANE Select); coding-DNA position 262, G replaced by T.
Protein change: p.Val88Leu; replaces valine 88 with leucine.
Molecular consequence: missense variant.
Genome position (GRCh38, 1-based): chr11:45,915,800, C>A on the plus strand (G>T on the coding strand, the complement: PEX16 is on the minus strand). VCF-style: chr11-45915800-C-A. GRCh37 (hg19) VCF-style: chr11-45937351-C-A.
Other names: c.262G>T, p.Val88Leu (NM_057174.3); short protein forms V88L.
Identifiers: ClinVar variation 1347850 (VCV001347850.8), dbSNP rs567165324, ClinGen allele CA380228756.